The following is an entry in ClinVar:

ClinVar aggregate classification (germline): Benign. Review status: criteria provided, multiple submitters, no conflicts (2 of 4 stars). 10 submissions from 10 submitters: Benign (9). 1 of the submissions does not count toward it. Last evaluated 2026-02-03.

Conditions:
Goldberg-Shprintzen syndrome. Identifiers: Orphanet 66629, MedGen C1836123, MONDO:0012280, OMIM 609460.

Allele frequency attached by ClinVar (database versions not stated): 1000 Genomes Project 0.35383; 1000 Genomes Project 30x 0.35587; TOPMed 0.41078; ESP Exome Variant Server 0.43538.
gnomAD v4.1: 736,244 of 1,613,698 alleles (46%); highest among the groups gnomAD compares: Non-Finnish European, 49%; 172,227 homozygotes.

Submissions (10):

Labcorp Genetics (formerly Invitae), Labcorp
Classification: Benign. Last evaluated: 2026-02-03. Review status: criteria provided, single submitter. Criteria: Invitae Variant Classification Sherloc (09022015). Collection method: clinical testing. Allele origin: germline.

Blueprint Genetics
Classification: Benign. Last evaluated: 2024-11-27. Review status: criteria provided, single submitter. Criteria: ACMG Guidelines, 2015. Collection method: clinical testing. Allele origin: germline.

Genome-Nilou Lab
Classification: Benign for Goldberg-Shprintzen syndrome. Last evaluated: 2021-08-19. Review status: criteria provided, single submitter. Criteria: ACMG Guidelines, 2015. Collection method: clinical testing. Allele origin: germline. Affected: no.

Athena Diagnostics
Classification: Benign. Last evaluated: 2018-05-07. Review status: criteria provided, single submitter. Criteria: Athena Diagnostics Criteria. Collection method: clinical testing. Allele origin: germline.

Illumina Laboratory Services, Illumina
Classification: Benign for Goldberg-Shprintzen syndrome. Last evaluated: 2018-01-13. Review status: criteria provided, single submitter. Criteria: ICSL Variant Classification Criteria 13 December 2019. Collection method: clinical testing. Allele origin: germline.
Comment: This variant was observed in the ICSL laboratory as part of a predisposition screen in an ostensibly healthy population. It had not been previously curated by ICSL or reported in the Human Gene Mutation Database (HGMD: prior to June 1st, 2018), and was therefore a candidate for classification through an automated scoring system. Utilizing variant allele frequency, disease prevalence and penetrance estimates, and inheritance mode, an automated score was calculated to assess if this variant is too frequent to cause the disease. Based on the score and internal cut-off values, a variant classified as benign is not then subjected to further curation. The score for this variant resulted in a classification of benign for this disease.

GeneDx
Classification: Benign. Last evaluated: 2016-01-11. Review status: criteria provided, single submitter. Criteria: GeneDx Variant Classification (06012015). Collection method: clinical testing. Allele origin: germline. Affected: yes.
Comment: This variant is considered likely benign or benign based on one or more of the following criteria: it is a conservative change, it occurs at a poorly conserved position in the protein, it is predicted to be benign by multiple in silico algorithms, and/or has population frequency not consistent with disease.

Clinical Genetics DNA and cytogenetics Diagnostics Lab, Erasmus MC, Erasmus Medical Center
Classification: Benign for Goldberg-Shprintzen syndrome. Last evaluated: 2015-09-21. Review status: criteria provided, single submitter. Criteria: ACGS Guidelines, 2013. Collection method: clinical testing. Allele origin: germline. Affected: yes. Study: VKGL Data-share Consensus.

Genetic Services Laboratory, University of Chicago
Classification: Benign. Last evaluated: 2013-02-08. Review status: criteria provided, single submitter. Criteria: ACMG Guidelines, 2007. Collection method: clinical testing. Allele origin: germline. Inheritance: Autosomal dominant inheritance.

PreventionGenetics, part of Exact Sciences
Classification: Benign. Review status: criteria provided, single submitter. Criteria: ACMG Guidelines, 2015. Collection method: clinical testing. Allele origin: germline.

Diagnostic Laboratory, Department of Genetics, University Medical Center Groningen
Classification: Benign for Goldberg-Shprintzen syndrome. Review status: no assertion criteria provided. Collection method: clinical testing. Allele origin: germline. Affected: yes. Study: VKGL Data-share Consensus. Not counted in ClinVar's aggregate classification.

NM_015634.4(KIFBP):c.196G>A (p.Gly66Ser)

Gene: KIFBP (kinesin family binding protein; plus strand). Cytogenetic location: 10q22.1.
Variant type: single nucleotide variant.
Coding change: c.196G>A on transcript NM_015634.4 (MANE Select); coding-DNA position 196, G replaced by A.
Protein change: p.Gly66Ser; replaces glycine 66 with serine.
Molecular consequence: missense variant.
Genome position (GRCh38, 1-based): chr10:68,989,028, G>A. VCF-style: chr10-68989028-G-A. GRCh37 (hg19) VCF-style: chr10-70748784-G-A.
Other names: short protein forms G66S.
Identifiers: ClinVar variation 158696 (VCV000158696.22), dbSNP rs2255607, ClinGen allele CA172373.